The following is an entry in ClinVar:

ClinVar aggregate classification (germline): Uncertain significance (1 of 4 stars; one submission).

Conditions:
CHARGE syndrome (CHARGE). Also called: Hittner Hirsch Kreh syndrome; Coloboma, heart anomaly, choanal atresia, retardation, genital and ear anomalies; CHARGE association; Hall-Hittner syndrome; CHARGE ASSOCIATION--COLOBOMA, HEART ANOMALY, CHOANAL ATRESIA, RETARDATION, GENITAL AND EAR ANOMALIES. Identifiers: Orphanet 138, MedGen C0265354, MONDO:0008965.

Submission:

Labcorp Genetics (formerly Invitae), Labcorp
Classification: Uncertain significance for CHARGE syndrome. Last evaluated: 2025-09-15. Review status: criteria provided, single submitter. Criteria: Invitae Variant Classification Sherloc (09022015). Collection method: clinical testing. Allele origin: germline.
Comment: This sequence change replaces glycine, which is neutral and non-polar, with glutamic acid, which is acidic and polar, at codon 327 of the CHD7 protein (p.Gly327Glu). This variant is not present in population databases (gnomAD no frequency). This variant has not been reported in the literature in individuals affected with CHD7-related conditions. ClinVar contains an entry for this variant (Variation ID: 939459). Invitae Evidence Modeling of protein sequence and biophysical properties (such as structural, functional, and spatial information, amino acid conservation, physicochemical variation, residue mobility, and thermodynamic stability) indicates that this missense variant is not expected to disrupt CHD7 protein function with a negative predictive value of 95%. In summary, the available evidence is currently insufficient to determine the role of this variant in disease. Therefore, it has been classified as a Variant of Uncertain Significance.

NM_017780.4(CHD7):c.980G>A (p.Gly327Glu)

Gene: CHD7 (chromodomain helicase DNA binding protein 7; plus strand). Cytogenetic location: 8q12.2.
Variant type: single nucleotide variant.
Coding change: c.980G>A on transcript NM_017780.4 (MANE Select); coding-DNA position 980, G replaced by A.
Protein change: p.Gly327Glu; replaces glycine 327 with glutamic acid.
Molecular consequence: missense variant.
Genome position (GRCh38, 1-based): chr8:60,742,412, G>A. VCF-style: chr8-60742412-G-A. GRCh37 (hg19) VCF-style: chr8-61654971-G-A.
Other names: c.980G>A, p.Gly327Glu (NM_001316690.1); short protein forms G327E.
Identifiers: ClinVar variation 939459 (VCV000939459.2), dbSNP rs1809088428, ClinGen allele CA371300362.